The following is an entry in ClinVar:

NM_004304.5(ALK):c.-1G>A

Gene: ALK (ALK receptor tyrosine kinase; minus strand). Cytogenetic location: 2p23.1.
Variant type: single nucleotide variant.
Coding change: c.-1G>A on transcript NM_004304.5 (MANE Select); 1 bases upstream of the start codon, G replaced by A.
Molecular consequence: 5 prime UTR variant.
Genome position (GRCh38, 1-based): chr2:29,920,660, C>T on the plus strand (G>A on the coding strand, the complement: ALK is on the minus strand). VCF-style: chr2-29920660-C-T. GRCh37 (hg19) VCF-style: chr2-30143526-C-T.
Identifiers: ClinVar variation 3854123 (VCV003854123.2).

ClinVar aggregate classification (germline): Uncertain significance. Review status: criteria provided, multiple submitters, no conflicts (2 of 4 stars). 2 submissions from 2 submitters: Uncertain significance (2). Last evaluated 2025-02-19.

Conditions:
Hereditary cancer-predisposing syndrome. Also called: Hereditary neoplastic syndrome; Neoplastic Syndromes, Hereditary; Tumor predisposition; Hereditary Cancer Syndrome. Identifiers: Orphanet 140162, MedGen C0027672, MeSH D009386, MONDO:0015356.

gnomAD v4.1: 1 of 1,535,468 alleles (0.000065%); highest among the groups gnomAD compares: Non-Finnish European, 0.000087%; no homozygotes.

Submissions (2):

Ambry Genetics
Classification: Uncertain significance for Hereditary cancer-predisposing syndrome. Last evaluated: 2025-02-19. Review status: criteria provided, single submitter. Criteria: Ambry Variant Classification Scheme 2023. Collection method: clinical testing. Allele origin: germline.
Comment: The c.-1G>A variant is located in the 5' untranslated region (5&rsquo; UTR) of the ALK gene. This variant results from a G to A substitution 1 bases upstream from the first translated codon. This nucleotide position is well conserved in available vertebrate species. Based on the available evidence, the clinical significance of this variant remains unclear.

GeneDx
Classification: Uncertain significance. Last evaluated: 2024-10-22. Review status: criteria provided, single submitter. Criteria: GeneDx Variant Classification Process June 2021. Collection method: clinical testing. Allele origin: germline. Affected: yes.
Comment: Not observed at significant frequency in large population cohorts (gnomAD); Located in a regulatory region; in the absence of functional studies, the actual effect of this sequence change is unknown; Nucleotide is not conserved across species and the substitution has no predicted effect on splicing; Has not been previously published as pathogenic or benign to our knowledge